The following is an entry in ClinVar:

NM_001204.7(BMPR2):c.2793G>T (p.Lys931Asn)

Gene: BMPR2 (bone morphogenetic protein receptor type 2; plus strand). Cytogenetic location: 2q33.2.
Variant type: single nucleotide variant.
Coding change: c.2793G>T on transcript NM_001204.7 (MANE Select); coding-DNA position 2793, G replaced by T.
Protein change: p.Lys931Asn; replaces lysine 931 with asparagine.
Molecular consequence: missense variant.
Genome position (GRCh38, 1-based): chr2:202,556,458, G>T. VCF-style: chr2-202556458-G-T. GRCh37 (hg19) VCF-style: chr2-203421181-G-T.
Other names: short protein forms K931N.
Identifiers: ClinVar variation 1796075 (VCV001796075.3), dbSNP rs1688574547, ClinGen allele CA350349788.

ClinVar aggregate classification (germline): Uncertain significance (1 of 4 stars; one submission).

Conditions:
Inborn genetic diseases. Identifiers: MedGen C0950123, MeSH D030342.

gnomAD v4.1: 1 of 1,614,184 alleles (0.000062%); no homozygotes.

Submission:

Ambry Genetics
Classification: Uncertain significance for Inborn genetic diseases. Last evaluated: 2025-08-20. Review status: criteria provided, single submitter. Criteria: Ambry Variant Classification Scheme 2023. Collection method: clinical testing. Allele origin: germline.
Comment: The p.K931N variant (also known as c.2793G>T), located in coding exon 12 of the BMPR2 gene, results from a G to T substitution at nucleotide position 2793. The lysine at codon 931 is replaced by asparagine, an amino acid with similar properties. This amino acid position is conserved. In addition, this alteration is predicted to be tolerated by in silico analysis. Since supporting evidence is limited at this time, the clinical significance of this alteration remains unclear.